The following is an entry in ClinVar:

ClinVar aggregate classification (germline): Uncertain significance. Review status: criteria provided, multiple submitters, no conflicts (2 of 4 stars). 2 submissions from 2 submitters: Uncertain significance (2). Last evaluated 2025-07-01.

Conditions:
Dilated cardiomyopathy 1G (CMD1G). Identifiers: Orphanet 154, MedGen C1858763, MONDO:0011400, OMIM 604145.
Autosomal recessive limb-girdle muscular dystrophy type 2J (LGMDR10). Also called: Limb-girdle muscular dystrophy, type 2J; MUSCULAR DYSTROPHY, LIMB-GIRDLE, AUTOSOMAL RECESSIVE 10. Identifiers: Orphanet 140922, MedGen C1837342, MONDO:0012127, OMIM 608807.
Cardiovascular phenotype. Identifiers: MedGen CN230736.

Allele frequency attached by ClinVar (database versions not stated): gnomAD exomes 0.00001; TOPMed 0.00002; gnomAD 0.00003.
gnomAD v4.1: 11 of 1,613,820 alleles (0.00068%); highest among the groups gnomAD compares: Non-Finnish European, 0.00093%; no homozygotes.

Submissions (2):

Labcorp Genetics (formerly Invitae), Labcorp
Classification: Uncertain significance for Dilated cardiomyopathy 1G; Autosomal recessive limb-girdle muscular dystrophy type 2J. Last evaluated: 2025-07-01. Review status: criteria provided, single submitter. Criteria: Invitae Variant Classification Sherloc (09022015). Collection method: clinical testing. Allele origin: germline.
Comment: This sequence change replaces arginine, which is basic and polar, with threonine, which is neutral and polar, at codon 34616 of the TTN protein (p.Arg34616Thr). This variant is present in population databases (rs573782418, gnomAD 0.003%). This variant has not been reported in the literature in individuals affected with TTN-related conditions. ClinVar contains an entry for this variant (Variation ID: 1039341). Experimental studies and prediction algorithms are not available or were not evaluated, and the functional significance of this variant is currently unknown. This variant is located in the M band of TTN (PMID: 25589632). Non-truncating variants in this region may be relevant for neuromuscular disorders, but have not been definitively shown to cause cardiomyopathy (PMID: 23975875). In summary, the available evidence is currently insufficient to determine the role of this variant in disease. Therefore, it has been classified as a Variant of Uncertain Significance.

Ambry Genetics
Classification: Uncertain significance for Cardiovascular phenotype. Last evaluated: 2018-03-30. Review status: criteria provided, single submitter. Criteria: Ambry Variant Classification Scheme 2023. Collection method: clinical testing. Allele origin: germline.
Comment: The p.R25551T variant (also known as c.76652G>C), located in coding exon 185 of the TTN gene, results from a G to C substitution at nucleotide position 76652. The arginine at codon 25551 is replaced by threonine, an amino acid with similar properties. This amino acid position is not well conserved in available vertebrate species. In addition, this alteration is predicted to be tolerated by in silico analysis. Since supporting evidence is limited at this time, the clinical significance of this alteration remains unclear.

Literature cited by the submitters: PubMed 25589632 (cited by Labcorp Genetics (formerly Invitae), Labcorp); PubMed 23975875 (cited by Labcorp Genetics (formerly Invitae), Labcorp).

NM_001267550.2(TTN):c.103847G>C (p.Arg34616Thr)

Genes: TTN-AS1 (TTN antisense RNA 1; plus strand), TTN (titin; minus strand). Cytogenetic location: 2q31.2.
Variant type: single nucleotide variant.
Coding change: c.103847G>C on transcript NM_001267550.2 (MANE Select); coding-DNA position 103847, G replaced by C.
Protein change: p.Arg34616Thr; replaces arginine 34616 with threonine.
Molecular consequence: missense variant.
Genome position (GRCh38, 1-based): chr2:178,532,768, C>G on the plus strand (G>C on the coding strand, the complement: TTN is on the minus strand). VCF-style: chr2-178532768-C-G. GRCh37 (hg19) VCF-style: chr2-179397495-C-G.
Other names: c.98924G>C, p.Arg32975Thr (NM_001256850.1); c.76652G>C, p.Arg25551Thr (NM_003319.4); c.96143G>C, p.Arg32048Thr (NM_133378.4); c.77027G>C, p.Arg25676Thr (NM_133432.3); c.77228G>C, p.Arg25743Thr (NM_133437.4); short protein forms R25551T, R25743T, R34616T, R32048T, R25676T, R32975T.
Identifiers: ClinVar variation 1039341 (VCV001039341.7), dbSNP rs573782418, ClinGen allele CA60956750.
Genomic context (GRCh38, chr2:178,532,768, plus strand): 5'-CGGGCTGGTCTCACTATCTCAAGATCATCTTGGGACAGTTTAGGAATACGCCATTTAGGT[C>G]TGTATTGATCTGTAATGCGTGGAAGAGGCATCACATAGAACTGTTCCCATCTTGAAAGGC-3'
Protein context (NP_001254479.2, residues 34606-34626): MPLPRITDQY[Arg34616Thr]PKWRIPKLSQ